The following is an entry in ClinVar:

ClinVar aggregate classification (germline): Uncertain significance (1 of 4 stars; one submission).

Submission:

Ambry Genetics
Classification: Uncertain significance. Last evaluated: 2022-02-21. Review status: criteria provided, single submitter. Criteria: Ambry Variant Classification Scheme 2023. Collection method: clinical testing. Allele origin: germline.
Comment: The p.Q267L variant (also known as c.800A>T), located in coding exon 8 of the BUB1 gene, results from an A to T substitution at nucleotide position 800. The glutamine at codon 267 is replaced by leucine, an amino acid with dissimilar properties. This amino acid position is conserved. In addition, this alteration is predicted to be tolerated by in silico analysis. Since supporting evidence is limited at this time, the clinical significance of this alteration remains unclear.

NM_004336.5(BUB1):c.800A>T (p.Gln267Leu)

Gene: BUB1 (BUB1 mitotic checkpoint serine/threonine kinase; minus strand). Cytogenetic location: 2q13.
Variant type: single nucleotide variant.
Coding change: c.800A>T on transcript NM_004336.5 (MANE Select); coding-DNA position 800, A replaced by T.
Protein change: p.Gln267Leu; replaces glutamine 267 with leucine.
Molecular consequence: missense variant.
Genome position (GRCh38, 1-based): chr2:110,667,526, T>A on the plus strand (A>T on the coding strand, the complement: BUB1 is on the minus strand). VCF-style: chr2-110667526-T-A. GRCh37 (hg19) VCF-style: chr2-111425103-T-A.
Other names: c.740A>T, p.Gln247Leu (NM_001278616.2); c.800A>T, p.Gln267Leu (NM_001278617.2); short protein forms Q267L, Q247L.
Identifiers: ClinVar variation 1761630 (VCV001761630.2), dbSNP rs1392790406, ClinGen allele CA348217443.
Genomic context (GRCh38, chr2:110,667,526, plus strand): 5'-ATGAGGATTTTTTTATGTGACATAAGAATAACTAAAAATACAAGATTGCAAGTACCCCAT[T>A]GCTCATGCTTTCTCCGTTGATTGTATTTCTGGGCTCTCAATTCTTCAAAGGAAAATTCTG-3'
Protein context (NP_004327.1, residues 257-277): QKYNQRRKHE[Gln267Leu]WVNEDRHYMK